The following is an entry in ClinVar:

ClinVar aggregate classification (germline): Uncertain significance (1 of 4 stars; one submission).

gnomAD v4.1: 1 of 1,613,976 alleles (0.000062%); highest among the groups gnomAD compares: African/African-American, 0.0013%; no homozygotes.

Submission:

CeGaT Center for Human Genetics Tuebingen
Classification: Uncertain significance. Last evaluated: 2026-06-01. Review status: criteria provided, single submitter. Criteria: CeGaT Center For Human Genetics Tuebingen Variant Classification Criteria Version 2. Collection method: clinical testing. Allele origin: germline. Affected: yes. Observed: 1 variant allele.
Comment: SON: PM2:Supporting

NM_138927.4(SON):c.2651A>G (p.Gln884Arg)

Gene: SON (SON DNA and RNA binding protein; plus strand). Cytogenetic location: 21q22.11.
Variant type: single nucleotide variant.
Coding change: c.2651A>G on transcript NM_138927.4 (MANE Select); coding-DNA position 2651, A replaced by G.
Protein change: p.Gln884Arg; replaces glutamine 884 with arginine.
Molecular consequence: missense variant. On other transcripts: non-coding transcript variant (1), intron variant (1).
Genome position (GRCh38, 1-based): chr21:33,551,882, A>G. VCF-style: chr21-33551882-A-G. GRCh37 (hg19) VCF-style: chr21-34924188-A-G.
Other names: c.2651A>G, p.Gln884Arg (NM_001291411.2, NM_032195.3); c.245-5274A>G (NM_001291412.3); short protein forms Q884R.
Identifiers: ClinVar variation 4873967 (VCV004873967.2).